The following is an entry in ClinVar:

NM_001244008.2(KIF1A):c.3816+10_3816+63del

Genes: KIF1A (kinesin family member 1A; minus strand), LOC126806583 (P300/CBP strongly-dependent group 1 enhancer GRCh37_chr2:241678910-241680109; plus strand). Cytogenetic location: 2q37.3.
Variant type: Deletion.
Coding change: c.3816+10_3816+63del on transcript NM_001244008.2 (MANE Select); bases 10 to 63 of the intron after coding-DNA position 3816, 54 bases deleted.
Molecular consequence: splice donor variant.
Genome position (GRCh38, 1-based): chr2:240,740,235-240,740,288, 54 bases deleted. GRCh37 (hg19): chr2:241,679,668-241,679,721.
Other names: c.3513+10_3513+63del (NM_001379653.1, NM_001379650.1, NM_001379641.1 and 5 more transcripts); c.3789+10_3789+63del (NM_001379645.1, NM_001379633.1, NM_001379642.1); c.3615+10_3615+63del (NM_001379635.1, NM_001330290.2, NM_001379646.1 and 1 more transcripts); c.3510+10_3510+63del (NM_001379640.1); c.3765+10_3765+63del (NM_001379632.1); c.3588+10_3588+63del (NM_001379637.1, NM_001379648.1); c.3540+10_3540+63del (NM_001320705.2, NM_001379638.1, NM_001330289.2); c.3891+10_3891+63del (NM_001379631.1).
Identifiers: ClinVar variation 1977465 (VCV001977465.5), dbSNP rs2537146895, ClinGen allele CA1044072146.

ClinVar aggregate classification (germline): Uncertain significance (1 of 4 stars; one submission).

Conditions:
Hereditary spastic paraplegia 30. Identifiers: Orphanet 101010, MedGen C5235139, MONDO:0012476.
Neuropathy, hereditary sensory, type 2C. Also called: Hereditary sensory and autonomic neuropathy type IIC; KIF1A-Related HSAN2 (HSAN2C). Identifiers: Orphanet 970, MedGen C3280168, MONDO:0013634, OMIM 614213.
Intellectual disability, autosomal dominant 9 (NESCAVS). Also called: NESCAV SYNDROME; KIF1A-Related Neurodevelopmental Disorder. Identifiers: Orphanet 662367, MedGen C5393830, MONDO:0013656, OMIM 614255.

Submission:

Labcorp Genetics (formerly Invitae), Labcorp
Classification: Uncertain significance for Hereditary spastic paraplegia 30; Neuropathy, hereditary sensory, type 2C; Intellectual disability, autosomal dominant 9. Last evaluated: 2022-07-11. Review status: criteria provided, single submitter. Criteria: Invitae Variant Classification Sherloc (09022015). Collection method: clinical testing. Allele origin: germline.
Comment: This sequence change falls in intron 33 of the KIF1A gene. It does not directly change the encoded amino acid sequence of the KIF1A protein. This variant is not present in population databases (gnomAD no frequency). This variant has not been reported in the literature in individuals affected with KIF1A-related conditions. Algorithms developed to predict the effect of sequence changes on RNA splicing suggest that this variant may create or strengthen a splice site. In summary, the available evidence is currently insufficient to determine the role of this variant in disease. Therefore, it has been classified as a Variant of Uncertain Significance.